The following is an entry in ClinVar:

ClinVar aggregate classification (germline): Uncertain significance (1 of 4 stars; one submission).

gnomAD v4.1: 12 of 1,613,860 alleles (0.00074%); highest among the groups gnomAD compares: Non-Finnish European, 0.00093%; no homozygotes.

Submission:

Labcorp Genetics (formerly Invitae), Labcorp
Classification: Uncertain significance. Last evaluated: 2024-03-25. Review status: criteria provided, single submitter. Criteria: Invitae Variant Classification Sherloc (09022015). Collection method: clinical testing. Allele origin: germline.
Comment: This sequence change replaces arginine, which is basic and polar, with glutamine, which is neutral and polar, at codon 1212 of the SLIT2 protein (p.Arg1212Gln). This variant is not present in population databases (gnomAD no frequency). This variant has not been reported in the literature in individuals affected with SLIT2-related conditions. An algorithm developed to predict the effect of missense changes on protein structure and function (PolyPhen-2) suggests that this variant is likely to be tolerated. In summary, the available evidence is currently insufficient to determine the role of this variant in disease. Therefore, it has been classified as a Variant of Uncertain Significance.

NM_004787.4(SLIT2):c.3635G>A (p.Arg1212Gln)

Gene: SLIT2 (slit guidance ligand 2; plus strand). Cytogenetic location: 4p15.31.
Variant type: single nucleotide variant.
Coding change: c.3635G>A on transcript NM_004787.4 (MANE Select); coding-DNA position 3635, G replaced by A.
Protein change: p.Arg1212Gln; replaces arginine 1212 with glutamine.
Molecular consequence: missense variant.
Genome position (GRCh38, 1-based): chr4:20,598,338, G>A. VCF-style: chr4-20598338-G-A. GRCh37 (hg19) VCF-style: chr4-20599961-G-A.
Other names: c.3623G>A, p.Arg1208Gln (NM_001289135.3); c.3611G>A, p.Arg1204Gln (NM_001289136.3); short protein forms R1204Q, R1208Q, R1212Q.
Identifiers: ClinVar variation 3605458 (VCV003605458.2).